The following is an entry in ClinVar:

NM_020547.3(AMHR2):c.762C>G (p.His254Gln)

Gene: AMHR2 (anti-Mullerian hormone receptor type 2; plus strand). Cytogenetic location: 12q13.13.
Variant type: single nucleotide variant.
Coding change: c.762C>G on transcript NM_020547.3 (MANE Select); coding-DNA position 762, C replaced by G.
Protein change: p.His254Gln; replaces histidine 254 with glutamine.
Molecular consequence: missense variant.
Genome position (GRCh38, 1-based): chr12:53,425,829, C>G. VCF-style: chr12-53425829-C-G. GRCh37 (hg19) VCF-style: chr12-53819613-C-G.
Other names: c.762C>G, p.His254Gln (NM_001164690.2, NM_001164691.2); short protein forms H254Q.
Identifiers: ClinVar variation 3769023 (VCV003769023.1).

ClinVar aggregate classification (germline): Uncertain significance (1 of 4 stars; one submission).

gnomAD v4.1: 1 of 1,614,048 alleles (0.000062%); highest among the groups gnomAD compares: Non-Finnish European, 0.000085%; no homozygotes.

Submission:

Women's Health and Genetics/Laboratory Corporation of America, LabCorp
Classification: Uncertain significance. Last evaluated: 2025-02-17. Review status: criteria provided, single submitter. Criteria: LabCorp Variant Classification Summary - May 2015. Collection method: clinical testing. Allele origin: germline.
Comment: Variant summary: AMHR2 c.762C>G (p.His254Gln) results in a non-conservative amino acid change located in the Protein kinase domain (IPR000719) of the encoded protein sequence. Five of five in-silico tools predict a damaging effect of the variant on protein function. The variant was absent in 251394 control chromosomes (gnomAD). c.762C>G has been reported in the literature in at least one homozygous individual affected with Persistent Mullerian duct syndrome (Abduljabbar_2012). These data indicate that the variant may be associated with disease. To our knowledge, no experimental evidence demonstrating an impact on protein function has been reported. The following publication have been ascertained in the context of this evaluation (PMID: 22584735). No submitters have cited clinical-significance assessments for this variant to ClinVar. Based on the evidence outlined above, the variant was classified as VUS-possibly pathogenic.

Literature cited by the submitters: PubMed 22584735.